The following is an entry in ClinVar:

NM_000352.6(ABCC8):c.1645del (p.Ala549fs)

Gene: ABCC8 (ATP binding cassette subfamily C member 8; minus strand). Cytogenetic location: 11p15.1.
Variant type: Deletion.
Coding change: c.1645del on transcript NM_000352.6 (MANE Select); coding-DNA position 1645, one base deleted (G; older notation c.1645delG).
Protein change: p.Ala549fs; shifts the reading frame from alanine 549.
Molecular consequence: frameshift variant. On other transcripts: non-coding transcript variant (1).
Genome position (GRCh38, 1-based): chr11:17,432,230, C deleted on the plus strand (G on the coding strand, the reverse complement: ABCC8 is on the minus strand); the first of 2 consecutive C bases (chr11:17,432,230-17,432,231); deleting either gives the same sequence. VCF-style (leftmost placement, unchanged base first): chr11-17432229-GC-G. GRCh37 (hg19) VCF-style: chr11-17453776-GC-G.
Other names: c.1645del, p.Ala549fs (NM_001287174.3, NM_001351295.2); c.1642del, p.Ala548fs (NM_001351296.2, NM_001351297.2); short protein forms A548fs, A549fs.
Identifiers: ClinVar variation 5015535 (VCV005015535.1).

ClinVar aggregate classification (germline): Pathogenic (1 of 4 stars; one submission).

Conditions:
Hyperinsulinemic hypoglycemia, familial, 1 (HHF1). Also called: HYPERINSULINISM, FAMILIAL, WITH PANCREATIC NESIDIOBLASTOSIS; HYPOGLYCEMIA, HYPERINSULINEMIC, OF INFANCY; NESIDIOBLASTOSIS OF PANCREAS; Persistent Hyperinsulinemia Hypoglycemia of Infancy; Persistent hyperinsulinemic hypoglycemia of infancy. Identifiers: Orphanet 276575, Orphanet 276598, MedGen C2931832, MONDO:0009734, OMIM 256450.

Submission:

Myriad Genetics, Inc.
Classification: Pathogenic for Hyperinsulinemic hypoglycemia, familial, 1. Last evaluated: 2026-02-11. Review status: criteria provided, single submitter. Criteria: Myriad Autosomal Dominant, Autosomal Recessive and X-Linked Classification Criteria (2023). Collection method: clinical testing. Allele origin: unknown.
Comment: NM_000352.3(ABCC8):c.1645delG(A549Pfs*9) is expected to be pathogenic in the context of familial hyperinsulinism, ABCC8-related. This variant is predicted to lead to an abnormal or absent protein product due to the creation of a premature termination codon in ABCC8, a gene where loss-of-function variants are known to be pathogenic. Please note: this variant was assessed in the context of healthy population screening.